The following is an entry in ClinVar:

ClinVar aggregate classification (germline): Conflicting classifications of pathogenicity. Review status: criteria provided, conflicting classifications (1 of 4 stars). 5 submissions from 5 submitters: Uncertain significance (4); Likely benign (1). Last evaluated 2025-08-07.

Conditions:
Inborn genetic diseases. Identifiers: MedGen C0950123, MeSH D030342.
Fanconi anemia complementation group E (FANCE). Also called: FANCE-Related Fanconi Anemia. Identifiers: Orphanet 84, MedGen C3160739, MONDO:0010953, OMIM 600901.

Allele frequency attached by ClinVar (database versions not stated): gnomAD exomes 0.00001 and 0.00004; ExAC 0.00002; gnomAD 0.00015 and 0.00016; 1000 Genomes Project 0.00020; 1000 Genomes Project 30x 0.00031; TOPMed 0.00035.
gnomAD v4.1: 53 of 1,614,178 alleles (0.0033%); highest among the groups gnomAD compares: Admixed American, 0.033%; no homozygotes.

Submissions (5):

Ambry Genetics
Classification: Uncertain significance for Inborn genetic diseases. Last evaluated: 2025-08-07. Review status: criteria provided, single submitter. Criteria: Ambry Variant Classification Scheme 2023. Collection method: clinical testing. Allele origin: germline.

ARUP Laboratories, Molecular Genetics and Genomics, ARUP Laboratories
Classification: Likely benign for Fanconi anemia complementation group E. Last evaluated: 2024-06-12. Review status: criteria provided, single submitter. Criteria: ARUP Molecular Germline Variant Investigation Process 2024. Collection method: clinical testing. Allele origin: germline.

Fulgent Genetics
Classification: Uncertain significance for Fanconi anemia complementation group E. Last evaluated: 2024-05-22. Review status: criteria provided, single submitter. Criteria: ACMG Guidelines, 2015. Collection method: clinical testing. Allele origin: germline.

Labcorp Genetics (formerly Invitae), Labcorp
Classification: Uncertain significance for Fanconi anemia complementation group E. Last evaluated: 2022-08-23. Review status: criteria provided, single submitter. Criteria: Invitae Variant Classification Sherloc (09022015). Collection method: clinical testing. Allele origin: germline.
Comment: This sequence change replaces leucine, which is neutral and non-polar, with phenylalanine, which is neutral and non-polar, at codon 357 of the FANCE protein (p.Leu357Phe). This variant is present in population databases (rs185230199, gnomAD 0.02%). This variant has not been reported in the literature in individuals affected with FANCE-related conditions. ClinVar contains an entry for this variant (Variation ID: 1312593). Algorithms developed to predict the effect of missense changes on protein structure and function output the following: SIFT: "Tolerated"; PolyPhen-2: "Benign"; Align-GVGD: "Class C0". The phenylalanine amino acid residue is found in multiple mammalian species, which suggests that this missense change does not adversely affect protein function. In summary, the available evidence is currently insufficient to determine the role of this variant in disease. Therefore, it has been classified as a Variant of Uncertain Significance.

GeneDx
Classification: Uncertain significance. Last evaluated: 2020-03-26. Review status: criteria provided, single submitter. Criteria: GeneDx Variant Classification Process June 2021. Collection method: clinical testing. Allele origin: germline. Affected: yes.
Comment: In silico analysis supports that this missense variant does not alter protein structure/function; Has not been previously published as pathogenic or benign to our knowledge

NM_021922.3(FANCE):c.1069C>T (p.Leu357Phe)

Gene: FANCE (FA complementation group E; plus strand). Cytogenetic location: 6p21.31.
Variant type: single nucleotide variant.
Coding change: c.1069C>T on transcript NM_021922.3 (MANE Select); coding-DNA position 1069, C replaced by T.
Protein change: p.Leu357Phe; replaces leucine 357 with phenylalanine.
Molecular consequence: missense variant.
Genome position (GRCh38, 1-based): chr6:35,458,396, C>T. VCF-style: chr6-35458396-C-T. GRCh37 (hg19) VCF-style: chr6-35426173-C-T.
Other names: short protein forms L357F.
Identifiers: ClinVar variation 1312593 (VCV001312593.9), dbSNP rs185230199, ClinGen allele CA3771590.